The following is an entry in ClinVar:

NM_014009.4(FOXP3):c.826G>C (p.Asp276His)

Gene: FOXP3 (forkhead box P3; minus strand). Cytogenetic location: Xp11.23.
Variant type: single nucleotide variant.
Coding change: c.826G>C on transcript NM_014009.4 (MANE Select); coding-DNA position 826, G replaced by C.
Protein change: p.Asp276His; replaces aspartic acid 276 with histidine.
Molecular consequence: missense variant.
Genome position (GRCh38, 1-based): chrX:49,254,058, C>G on the plus strand (G>C on the coding strand, the complement: FOXP3 is on the minus strand). VCF-style: chrX-49254058-C-G. GRCh37 (hg19) VCF-style: chrX-49110519-C-G.
Other names: c.721G>C, p.Asp241His (NM_001114377.2); short protein forms D241H, D276H.
Identifiers: ClinVar variation 3651120 (VCV003651120.2).

ClinVar aggregate classification (germline): Uncertain significance (1 of 4 stars; one submission).

Conditions:
Insulin-dependent diabetes mellitus secretory diarrhea syndrome (IPEX). Also called: DIABETES MELLITUS, CONGENITAL INSULIN-DEPENDENT, WITH FATAL SECRETORY DIARRHEA; DIARRHEA, POLYENDOCRINOPATHY, FATAL INFECTION SYNDROME, X-LINKED; ENTEROPATHY, AUTOIMMUNE, WITH HEMOLYTIC ANEMIA AND POLYENDOCRINOPATHY; IMMUNODEFICIENCY, POLYENDOCRINOPATHY, AND ENTEROPATHY, X-LINKED; X-Linked Autoimmunity-Allergic Dysregulation Syndrome; IPEX and IPEX-Like. Identifiers: Orphanet 37042, MedGen C0342288, MONDO:0010580, OMIM 304790. Disease mechanism: loss of function.

Submission:

Labcorp Genetics (formerly Invitae), Labcorp
Classification: Uncertain significance for Insulin-dependent diabetes mellitus secretory diarrhea syndrome. Last evaluated: 2024-04-25. Review status: criteria provided, single submitter. Criteria: Invitae Variant Classification Sherloc (09022015). Collection method: clinical testing. Allele origin: germline.
Comment: This sequence change replaces aspartic acid, which is acidic and polar, with histidine, which is basic and polar, at codon 276 of the FOXP3 protein (p.Asp276His). This variant is not present in population databases (gnomAD no frequency). This variant has not been reported in the literature in individuals affected with FOXP3-related conditions. Advanced modeling of protein sequence and biophysical properties (such as structural, functional, and spatial information, amino acid conservation, physicochemical variation, residue mobility, and thermodynamic stability) performed at Invitae indicates that this missense variant is not expected to disrupt FOXP3 protein function with a negative predictive value of 80%. In summary, the available evidence is currently insufficient to determine the role of this variant in disease. Therefore, it has been classified as a Variant of Uncertain Significance.